The following is an entry in ClinVar:

ClinVar aggregate classification (germline): Uncertain significance (1 of 4 stars; one submission).

Conditions:
SIN3A-related intellectual disability syndrome due to a point mutation. Also called: 15q24 Microdeletion Syndrome; WITTEVEEN-KOLK SYNDROME. Identifiers: Orphanet 500166, Orphanet 94065, MedGen C4310804, MONDO:0044700, OMIM 613406.

Submission:

MGZ Medical Genetics Center
Classification: Uncertain significance for SIN3A-related intellectual disability syndrome due to a point mutation. Last evaluated: 2022-05-25. Review status: criteria provided, single submitter. Criteria: ACMG Guidelines, 2015. Collection method: clinical testing. Allele origin: germline. Affected: yes. Observed: 1 variant allele.
Comment: ACMG criteria applied: PM2_SUP, PP2, PP3

NM_001145358.2(SIN3A):c.2915G>T (p.Gly972Val)

Gene: SIN3A (SIN3 transcription regulator family member A; minus strand). Cytogenetic location: 15q24.2.
Variant type: single nucleotide variant.
Coding change: c.2915G>T on transcript NM_001145358.2 (MANE Select); coding-DNA position 2915, G replaced by T.
Protein change: p.Gly972Val; replaces glycine 972 with valine.
Molecular consequence: missense variant.
Genome position (GRCh38, 1-based): chr15:75,389,758, C>A on the plus strand (G>T on the coding strand, the complement: SIN3A is on the minus strand). VCF-style: chr15-75389758-C-A. GRCh37 (hg19) VCF-style: chr15-75682099-C-A.
Other names: c.2915G>T, p.Gly972Val (NM_001145357.2, NM_015477.3); short protein forms G972V.
Identifiers: ClinVar variation 1709481 (VCV001709481.2), dbSNP rs2543061621, ClinGen allele CA393489522.